The following is an entry in ClinVar:

NM_000069.3(CACNA1S):c.4194C>A (p.His1398Gln)

Gene: CACNA1S (calcium voltage-gated channel subunit alpha1 S; minus strand). Cytogenetic location: 1q32.1.
Variant type: single nucleotide variant.
Coding change: c.4194C>A on transcript NM_000069.3 (MANE Select); coding-DNA position 4194, C replaced by A.
Protein change: p.His1398Gln; replaces histidine 1398 with glutamine.
Molecular consequence: missense variant.
Genome position (GRCh38, 1-based): chr1:201,050,436, G>T on the plus strand (C>A on the coding strand, the complement: CACNA1S is on the minus strand). VCF-style: chr1-201050436-G-T. GRCh37 (hg19) VCF-style: chr1-201019564-G-T.
Other names: short protein forms H1398Q.
Identifiers: ClinVar variation 3136449 (VCV003136449.4), dbSNP rs368919048, ClinGen allele CA344148231.

ClinVar aggregate classification (germline): Uncertain significance. Review status: criteria provided, multiple submitters, no conflicts (2 of 4 stars). 3 submissions from 3 submitters: Uncertain significance (3). Last evaluated 2026-07-07.

Conditions:
Malignant hyperthermia, susceptibility to, 5 (MHS5). Also called: CACNA1S-Related Malignant Hyperthermia Susceptibility. Identifiers: Orphanet 423, MedGen C1866077, MONDO:0011163, OMIM 601887.
Inborn genetic diseases. Identifiers: MedGen C0950123, MeSH D030342.

Submissions (3):

Ambry Genetics
Classification: Uncertain significance for Inborn genetic diseases. Last evaluated: 2026-07-07. Review status: criteria provided, single submitter. Criteria: Ambry Variant Classification Scheme 2023. Collection method: clinical testing. Allele origin: germline.
Comment: The p.H1398Q variant (also known as c.4194C>A), located in coding exon 34 of the CACNA1S gene, results from a C to A substitution at nucleotide position 4194. The histidine at codon 1398 is replaced by glutamine, an amino acid with highly similar properties. This amino acid position is conserved. In addition, the in silico prediction for this alteration is inconclusive. Based on the available evidence, the clinical significance of this variant remains unclear.

Revvity Omics, Revvity
Classification: Uncertain significance. Last evaluated: 2025-06-25. Review status: criteria provided, single submitter. Criteria: ACMG Guidelines, 2015. Collection method: clinical testing. Allele origin: germline.

All of Us Research Program, National Institutes of Health
Classification: Uncertain significance for Malignant hyperthermia, susceptibility to, 5. Last evaluated: 2024-08-23. Review status: criteria provided, single submitter. Criteria: ACMG Guidelines, 2015. Collection method: clinical testing. Allele origin: germline. Inheritance: Autosomal dominant inheritance. Observed: 2 variant alleles, 2 heterozygotes.
Comment: This missense variant replaces histidine with glutamine at codon 1398 of the CACNA1S protein. Computational prediction suggests that this variant may not impact protein structure and function (internally defined REVEL score threshold <= 0.5, PMID: 27666373). To our knowledge, functional studies have not been reported for this variant. This variant has not been reported in individuals affected with CACNA1S-related disorders in the literature. This variant has been identified in 1/31368 chromosomes in the general population by the Genome Aggregation Database (gnomAD). The available evidence is insufficient to determine the role of this variant in disease conclusively. Therefore, this variant is classified as a Variant of Uncertain Significance.

This study involves interpretation of variants in research participants for the purpose of population health screening. Participant phenotype was not available at the time of variant classification. Additional details can be found in publication PMID: 35346344, PMCID: PMC8962531